The following is an entry in ClinVar:

NM_006015.6(ARID1A):c.359C>G (p.Pro120Arg)

Gene: ARID1A (AT-rich interaction domain 1A; plus strand). Cytogenetic location: 1p36.11.
Variant type: single nucleotide variant.
Coding change: c.359C>G on transcript NM_006015.6 (MANE Select); coding-DNA position 359, C replaced by G.
Protein change: p.Pro120Arg; replaces proline 120 with arginine.
Molecular consequence: missense variant.
Genome position (GRCh38, 1-based): chr1:26,696,762, C>G. VCF-style: chr1-26696762-C-G. GRCh37 (hg19) VCF-style: chr1-27023253-C-G.
Other names: c.359C>G, p.Pro120Arg (NM_139135.4); short protein forms P120R.
Identifiers: ClinVar variation 2957684 (VCV002957684.4), dbSNP rs1014331186, ClinGen allele CA19640554.

ClinVar aggregate classification (germline): Uncertain significance. Review status: criteria provided, multiple submitters, no conflicts (2 of 4 stars). 2 submissions from 2 submitters: Uncertain significance (2). Last evaluated 2025-08-10.

Conditions:
Inborn genetic diseases. Identifiers: MedGen C0950123, MeSH D030342.

gnomAD v4.1: 15 of 1,349,386 alleles (0.0011%); highest among the groups gnomAD compares: Non-Finnish European, 0.0014%; no homozygotes.

Submissions (2):

Ambry Genetics
Classification: Uncertain significance for Inborn genetic diseases. Last evaluated: 2025-08-10. Review status: criteria provided, single submitter. Criteria: Ambry Variant Classification Scheme 2023. Collection method: clinical testing. Allele origin: germline.

Labcorp Genetics (formerly Invitae), Labcorp
Classification: Uncertain significance. Last evaluated: 2024-01-25. Review status: criteria provided, single submitter. Criteria: Invitae Variant Classification Sherloc (09022015). Collection method: clinical testing. Allele origin: germline.
Comment: This sequence change replaces proline, which is neutral and non-polar, with arginine, which is basic and polar, at codon 120 of the ARID1A protein (p.Pro120Arg). This variant is not present in population databases (gnomAD no frequency). This variant has not been reported in the literature in individuals affected with ARID1A-related conditions. Advanced modeling of protein sequence and biophysical properties (such as structural, functional, and spatial information, amino acid conservation, physicochemical variation, residue mobility, and thermodynamic stability) performed at Invitae indicates that this missense variant is not expected to disrupt ARID1A protein function with a negative predictive value of 95%. In summary, the available evidence is currently insufficient to determine the role of this variant in disease. Therefore, it has been classified as a Variant of Uncertain Significance.